The following is an entry in ClinVar:

ClinVar aggregate classification (germline): Uncertain significance (1 of 4 stars; one submission).

Conditions:
Argininosuccinate lyase deficiency. Also called: ARGININOSUCCINIC ACID LYASE DEFICIENCY; Argininosuccinic aciduria; ASL DEFICIENCY. Identifiers: Orphanet 23, MedGen C0268547, MONDO:0008815, OMIM 207900, HP:0025630.

Allele frequency attached by ClinVar (database versions not stated): gnomAD exomes below 0.00001.

Submission:

Labcorp Genetics (formerly Invitae), Labcorp
Classification: Uncertain significance for Argininosuccinate lyase deficiency. Last evaluated: 2023-04-24. Review status: criteria provided, single submitter. Criteria: Invitae Variant Classification Sherloc (09022015). Collection method: clinical testing. Allele origin: germline.
Comment: In summary, the available evidence is currently insufficient to determine the role of this variant in disease. Therefore, it has been classified as a Variant of Uncertain Significance. Advanced modeling of protein sequence and biophysical properties (such as structural, functional, and spatial information, amino acid conservation, physicochemical variation, residue mobility, and thermodynamic stability) performed at Invitae indicates that this missense variant is expected to disrupt ASL protein function. This missense change has been observed in individual(s) with a positive newborn screening result for ASL-related disease (Invitae). This variant is present in population databases (no rsID available, gnomAD 0.003%). This sequence change replaces leucine, which is neutral and non-polar, with methionine, which is neutral and non-polar, at codon 49 of the ASL protein (p.Leu49Met).

NM_000048.4(ASL):c.145C>A (p.Leu49Met)

Gene: ASL (argininosuccinate lyase; plus strand). Cytogenetic location: 7q11.21.
Variant type: single nucleotide variant.
Coding change: c.145C>A on transcript NM_000048.4 (MANE Select); coding-DNA position 145, C replaced by A.
Protein change: p.Leu49Met; replaces leucine 49 with methionine.
Molecular consequence: missense variant.
Genome position (GRCh38, 1-based): chr7:66,081,935, C>A. VCF-style: chr7-66081935-C-A. GRCh37 (hg19) VCF-style: chr7-65546922-C-A.
Other names: c.145C>A, p.Leu49Met (NM_001024943.2, NM_001024944.2, NM_001024946.2); short protein forms L49M.
Identifiers: ClinVar variation 2851810 (VCV002851810.2), dbSNP rs1299719647, ClinGen allele CA367638261.
Genomic context (GRCh38, chr7:66,081,935, plus strand): 5'-GCCTACGACCGGCACCTTTGGGAGGTGGATGTTCAAGGCAGCAAAGCCTACAGCAGGGGC[C>A]TGGAGAAGGCAGGGCTCCTCACCAAGGCCGAGATGGACCAGATACTCCATGGCCTAGACA-3'
Protein context (NP_000039.2, residues 39-59): VQGSKAYSRG[Leu49Met]EKAGLLTKAE